The following is an entry in ClinVar:

ClinVar aggregate classification (germline): Uncertain significance (1 of 4 stars; one submission).

Allele frequency attached by ClinVar (database versions not stated): gnomAD 0.00005 and 0.00006; ESP Exome Variant Server 0.00015; 1000 Genomes Project 30x 0.00016; 1000 Genomes Project 0.00020; gnomAD exomes below 0.00001 and 0.00002; TOPMed 0.00003; ExAC 0.00004.
gnomAD v4.1: 17 of 1,614,150 alleles (0.0011%); highest among the groups gnomAD compares: African/African-American, 0.0093%; no homozygotes.

Submission:

Genetic Services Laboratory, University of Chicago
Classification: Uncertain significance. Last evaluated: 2020-10-12. Review status: criteria provided, single submitter. Criteria: ACMG Guidelines, 2015. Collection method: clinical testing. Allele origin: germline. Affected: no.
Comment: DNA sequence analysis of the CENPE gene demonstrated a sequence change, c.4997A>G, in exon 33 that results in an amino acid change, p.Glu1666Gly. This sequence change does not appear to have been previously described in individuals with CENPE-related disorders and has been described in the gnomAD database with a frequency of 0.028% in the African sub-population (dbSNP rs138953137). The p.Glu1666Gly change affects a highly conserved amino acid residue located in a domain of the CENPE protein that is not known to be functional. The p.Glu1666Gly substitution appears to be deleterious using several in-silico pathogenicity prediction tools (SIFT, PolyPhen2, Align GVGD, REVEL). Due to these contrasting evidences and the lack of functional studies, the clinical significance of the p.Glu1666Gly change remains unknown at this time.

NM_001813.3(CENPE):c.4997A>G (p.Glu1666Gly)

Gene: CENPE (centromere protein E; minus strand). Cytogenetic location: 4q24.
Variant type: single nucleotide variant.
Coding change: c.4997A>G on transcript NM_001813.3 (MANE Select); coding-DNA position 4997, A replaced by G.
Protein change: p.Glu1666Gly; replaces glutamic acid 1666 with glycine.
Molecular consequence: missense variant.
Genome position (GRCh38, 1-based): chr4:103,144,479, T>C on the plus strand (A>G on the coding strand, the complement: CENPE is on the minus strand). VCF-style: chr4-103144479-T-C. GRCh37 (hg19) VCF-style: chr4-104065636-T-C.
Other names: c.4922A>G, p.Glu1641Gly (NM_001286734.2); short protein forms E1641G, E1666G.
Identifiers: ClinVar variation 1337744 (VCV001337744.4), dbSNP rs138953137, ClinGen allele CA3029708.